The following is an entry in ClinVar:

ClinVar aggregate classification (germline): Uncertain significance (1 of 4 stars; one submission).

Submission:

Labcorp Genetics (formerly Invitae), Labcorp
Classification: Uncertain significance. Last evaluated: 2024-01-08. Review status: criteria provided, single submitter. Criteria: Invitae Variant Classification Sherloc (09022015). Collection method: clinical testing. Allele origin: germline.
Comment: This sequence change replaces asparagine, which is neutral and polar, with histidine, which is basic and polar, at codon 360 of the IL6ST protein (p.Asn360His). This variant is not present in population databases (gnomAD no frequency). This variant has not been reported in the literature in individuals affected with IL6ST-related conditions. An algorithm developed to predict the effect of missense changes on protein structure and function (PolyPhen-2) suggests that this variant is likely to be disruptive. In summary, the available evidence is currently insufficient to determine the role of this variant in disease. Therefore, it has been classified as a Variant of Uncertain Significance.

NM_002184.4(IL6ST):c.1078A>C (p.Asn360His)

Gene: IL6ST (interleukin 6 cytokine family signal transducer; minus strand). Cytogenetic location: 5q11.2.
Variant type: single nucleotide variant.
Coding change: c.1078A>C on transcript NM_002184.4 (MANE Select); coding-DNA position 1078, A replaced by C.
Protein change: p.Asn360His; replaces asparagine 360 with histidine.
Molecular consequence: missense variant. On other transcripts: 3 prime UTR variant (1), non-coding transcript variant (2).
Genome position (GRCh38, 1-based): chr5:55,956,214, T>G on the plus strand (A>C on the coding strand, the complement: IL6ST is on the minus strand). VCF-style: chr5-55956214-T-G. GRCh37 (hg19) VCF-style: chr5-55252042-T-G.
Other names: c.1078A>C, p.Asn360His (NM_001190981.2, NM_001364275.2); c.868A>C, p.Asn290His (NM_001364276.2); c.211A>C, p.Asn71His (NM_001364277.2); c.175A>C, p.Asn59His (NM_001364278.2); c.82A>C, p.Asn28His (NM_001364279.2); c.*5A>C (NM_175767.3); short protein forms N59H, N28H, N360H, N290H, N71H.
Identifiers: ClinVar variation 2814457 (VCV002814457.3), dbSNP rs2533505379, ClinGen allele CA359764561.